The following is an entry in ClinVar:

NM_002529.4(NTRK1):c.1997T>C (p.Ile666Thr)

Gene: NTRK1 (neurotrophic receptor tyrosine kinase 1; plus strand). Cytogenetic location: 1q23.1.
Variant type: single nucleotide variant.
Coding change: c.1997T>C on transcript NM_002529.4 (MANE Select); coding-DNA position 1997, T replaced by C.
Protein change: p.Ile666Thr; replaces isoleucine 666 with threonine.
Molecular consequence: missense variant.
Genome position (GRCh38, 1-based): chr1:156,879,313, T>C. VCF-style: chr1-156879313-T-C. GRCh37 (hg19) VCF-style: chr1-156849105-T-C.
Other names: c.1889T>C, p.Ile630Thr (NM_001007792.1); c.1979T>C, p.Ile660Thr (NM_001012331.2); short protein forms I630T, I666T, I660T.
Identifiers: ClinVar variation 1414200 (VCV001414200.7), dbSNP rs2102925045, ClinGen allele CA342939996.
Genomic context (GRCh38, chr1:156,879,313, plus strand): 5'-TTGTGCACCGGGACCTGGCCACACGCAACTGTCTAGTGGGCCAGGGACTGGTGGTCAAGA[T>C]TGGTGATTTTGGCATGAGCAGGGATATCTACAGCACCGACTATTACCGTGTAAGGGTCCT-3'
Protein context (NP_002520.2, residues 656-676): CLVGQGLVVK[Ile666Thr]GDFGMSRDIY

ClinVar aggregate classification (germline): Uncertain significance. Review status: criteria provided, multiple submitters, no conflicts (2 of 4 stars). 2 submissions from 2 submitters: Uncertain significance (2). Last evaluated 2026-09-03.

Conditions:
Hereditary insensitivity to pain with anhidrosis (CIPA). Also called: INSENSITIVITY TO PAIN, CONGENITAL, WITH ANHIDROSIS; NTRK1 Congenital Insensitivity to Pain with Anhidrosis; FAMILIAL DYSAUTONOMIA, TYPE II; HSAN Type IV; NEUROPATHY, CONGENITAL SENSORY, WITH ANHIDROSIS; hereditary sensory and autonomic neuropathy type 4. Identifiers: Orphanet 642, MedGen C0020074, MONDO:0009746, OMIM 256800.

Allele frequency attached by ClinVar (database versions not stated): gnomAD exomes below 0.00001.
gnomAD v4.1: 2 of 1,612,408 alleles (0.00012%); highest among the groups gnomAD compares: Non-Finnish European, 0.00017%; no homozygotes.

Submissions (2):

Myriad Genetics, Inc.
Classification: Uncertain significance for Hereditary insensitivity to pain with anhidrosis. Last evaluated: 2026-09-03. Review status: criteria provided, single submitter. Criteria: Myriad Autosomal Dominant, Autosomal Recessive and X-Linked Classification Criteria (2023). Collection method: clinical testing. Allele origin: unknown.
Comment: NM_002529.3(NTRK1):c.1997T>C(I666T) is a missense variant classified as a variant of uncertain significance in the context of congenital insensitivity to pain with anhidrosis, NTRK1-related. I666T has been observed in a case with relevant disease (PMID: 39669605). Relevant functional assessments of this variant are not available in the literature. I666T has not been observed in referenced population frequency databases. In summary, there is insufficient evidence to classify NM_002529.3(NTRK1):c.1997T>C(I666T) as pathogenic or benign. Please note: this variant was assessed in the context of healthy population screening.

Labcorp Genetics (formerly Invitae), Labcorp
Classification: Uncertain significance for Hereditary insensitivity to pain with anhidrosis. Last evaluated: 2024-09-27. Review status: criteria provided, single submitter. Criteria: Invitae Variant Classification Sherloc (09022015). Collection method: clinical testing. Allele origin: germline.
Comment: This sequence change replaces isoleucine, which is neutral and non-polar, with threonine, which is neutral and polar, at codon 660 of the NTRK1 protein (p.Ile660Thr). This variant is not present in population databases (gnomAD no frequency). This variant has not been reported in the literature in individuals affected with NTRK1-related conditions. ClinVar contains an entry for this variant (Variation ID: 1414200). Invitae Evidence Modeling of protein sequence and biophysical properties (such as structural, functional, and spatial information, amino acid conservation, physicochemical variation, residue mobility, and thermodynamic stability) has been performed for this missense variant. However, the output from this modeling did not meet the statistical confidence thresholds required to predict the impact of this variant on NTRK1 protein function. In summary, the available evidence is currently insufficient to determine the role of this variant in disease. Therefore, it has been classified as a Variant of Uncertain Significance.

Literature cited by the submitters: PubMed 39669605 (cited by Myriad Genetics, Inc.).